The following is an entry in ClinVar:

NM_006096.4(NDRG1):c.237C>A (p.Tyr79Ter)

Gene: NDRG1 (N-myc downstream regulated 1; minus strand). Cytogenetic location: 8q24.22.
Variant type: single nucleotide variant.
Coding change: c.237C>A on transcript NM_006096.4 (MANE Select); coding-DNA position 237, C replaced by A.
Protein change: p.Tyr79Ter; replaces tyrosine 79 with a stop codon.
Molecular consequence: nonsense. On other transcripts: 5 prime UTR variant (1).
Genome position (GRCh38, 1-based): chr8:133,262,136, G>T on the plus strand (C>A on the coding strand, the complement: NDRG1 is on the minus strand). VCF-style: chr8-133262136-G-T. GRCh37 (hg19) VCF-style: chr8-134274379-G-T.
Other names: c.237C>A, p.Tyr79Ter (NM_001135242.2, NM_001374844.1, NM_001374845.1 and 1 more transcripts); c.39C>A, p.Tyr13Ter (NM_001258432.2, NM_001374847.1); c.-7C>A (NM_001258433.2); short protein forms Y13*, Y79*.
Identifiers: ClinVar variation 1048598 (VCV001048598.2), dbSNP rs199928197, ClinGen allele CA372256335.
Genomic context (GRCh38, chr8:133,262,136, plus strand): 5'-CTGGCCAGGGGCGTCCACGTGGCAGACGGCAAAGTGCTGGGTGATCTCCTGCATGTCCTC[G>T]TAGTTGAAGAGGGGGTTGTAGCAGGTTTTGTCTGAAGAACAGCAGTGAGGGAGAGAAGAG-3'

ClinVar aggregate classification (germline): Pathogenic/Likely pathogenic. Review status: criteria provided, multiple submitters, no conflicts (2 of 4 stars). 2 submissions from 2 submitters: Pathogenic (1); Likely pathogenic (1). Last evaluated 2022-05-17.

Conditions:
Charcot-Marie-Tooth disease type 4D. Also called: CHARCOT-MARIE-TOOTH DISEASE, DEMYELINATING, AUTOSOMAL RECESSIVE, TYPE 4D; CHARCOT-MARIE-TOOTH DISEASE, DEMYELINATING, TYPE 4D; NEUROPATHY, HEREDITARY MOTOR AND SENSORY, LOM TYPE; Charcot-Marie-Tooth Neuropathy Type 4D. Identifiers: Orphanet 99950, MedGen C1832334, MONDO:0011085, OMIM 601455.

Submissions (2):

Kariminejad - Najmabadi Pathology & Genetics Center
Classification: Likely pathogenic for Charcot-Marie-Tooth disease type 4D. Last evaluated: 2022-05-17. Review status: criteria provided, single submitter. Criteria: ACMG Guidelines, 2015. Collection method: clinical testing. Allele origin: germline. Inheritance: Autosomal recessive inheritance. Affected: yes.
Comment: PVS1 PM2

CMT Laboratory, Bogazici University
Classification: Pathogenic for Charcot-Marie-Tooth disease type 4D. Last evaluated: 2020-12-01. Review status: criteria provided, single submitter. Criteria: ACMG Guidelines, 2015. Collection method: clinical testing. Allele origin: germline. Affected: yes. Observed: 1 variant allele.

Literature cited by the submitters: PubMed 31673878 (cited by CMT Laboratory, Bogazici University).